The following is an entry in ClinVar:

ClinVar aggregate classification (germline): Uncertain significance (1 of 4 stars; one submission).

gnomAD v4.1: 4 of 1,613,934 alleles (0.00025%); highest among the groups gnomAD compares: African/African-American, 0.0053%; no homozygotes.

Submission:

Ambry Genetics
Classification: Uncertain significance. Last evaluated: 2022-10-20. Review status: criteria provided, single submitter. Criteria: Ambry Variant Classification Scheme 2023. Collection method: clinical testing. Allele origin: germline.
Comment: The p.E301Q variant (also known as c.901G>C), located in coding exon 4 of the MNDA gene, results from a G to C substitution at nucleotide position 901. The glutamic acid at codon 301 is replaced by glutamine, an amino acid with highly similar properties. This amino acid position is conserved. In addition, this alteration is predicted to be tolerated by in silico analysis. Since supporting evidence is limited at this time, the clinical significance of this alteration remains unclear.

NM_002432.3(MNDA):c.901G>C (p.Glu301Gln)

Gene: MNDA (myeloid cell nuclear differentiation antigen; plus strand). Cytogenetic location: 1q23.1.
Variant type: single nucleotide variant.
Coding change: c.901G>C on transcript NM_002432.3 (MANE Select); coding-DNA position 901, G replaced by C.
Protein change: p.Glu301Gln; replaces glutamic acid 301 with glutamine.
Molecular consequence: missense variant.
Genome position (GRCh38, 1-based): chr1:158,845,917, G>C. VCF-style: chr1-158845917-G-C. GRCh37 (hg19) VCF-style: chr1-158815707-G-C.
Other names: short protein forms E301Q.
Identifiers: ClinVar variation 1765509 (VCV001765509.2), dbSNP rs751266784, ClinGen allele CA1185732.